The following is an entry in ClinVar:

ClinVar aggregate classification (germline): Likely pathogenic (1 of 4 stars; one submission).

Conditions:
CHD7-related CHARGE syndrome. Identifiers: MedGen CN380413, MONDO:1010178, OMIM 214800.

Submission:

Juno Genomics, Hangzhou Juno Genomics, Inc
Classification: Likely pathogenic for CHD7-related CHARGE syndrome. Review status: criteria provided, single submitter. Criteria: ACMG Guidelines, 2015. Collection method: clinical testing. Allele origin: germline. Affected: yes.
Comment: Absent from controls (or at extremely low frequency if recessive) in Genome Aggregation Database.;Multiple lines of computational evidence support a deleterious effect on the gene or gene product.;Missense variant in a gene that has a low rate of benign missense variation.;The prevalence of the variant in affected individuals is significantly increased compared to the prevalence in controls.;Assumed de novo, but without confirmation of paternity and maternity.;Patient's phenotype or family history is highly specific for a disease with a single genetic etiology.

NM_017780.4(CHD7):c.6347T>A (p.Ile2116Asn)

Gene: CHD7 (chromodomain helicase DNA binding protein 7; plus strand). Cytogenetic location: 8q12.2.
Variant type: single nucleotide variant.
Coding change: c.6347T>A on transcript NM_017780.4 (MANE Select); coding-DNA position 6347, T replaced by A.
Protein change: p.Ile2116Asn; replaces isoleucine 2116 with asparagine.
Molecular consequence: missense variant. On other transcripts: intron variant (1).
Genome position (GRCh38, 1-based): chr8:60,853,072, T>A. VCF-style: chr8-60853072-T-A. GRCh37 (hg19) VCF-style: chr8-61765631-T-A.
Other names: c.1717-9157T>A (NM_001316690.1); short protein forms I2116N.
Identifiers: ClinVar variation 5018966 (VCV005018966.1).